The following is an entry in ClinVar:

NM_001113491.2(SEPTIN9):c.*578G>T

Gene: SEPTIN9 (septin 9; plus strand). Cytogenetic location: 17q25.3.
Variant type: single nucleotide variant.
Coding change: c.*578G>T on transcript NM_001113491.2 (MANE Select); 578 bases downstream of the stop codon, G replaced by T.
Molecular consequence: 3 prime UTR variant.
Genome position (GRCh38, 1-based): chr17:77,499,236, G>T. VCF-style: chr17-77499236-G-T. GRCh37 (hg19) VCF-style: chr17-75495318-G-T.
Other names: c.*578G>T (NM_001113492.2, NM_001113493.2, NM_001113494.1 and 7 more transcripts).
Identifiers: ClinVar variation 891395 (VCV000891395.4), dbSNP rs546283819, ClinGen allele CA8794005.

ClinVar aggregate classification (germline): Benign (1 of 4 stars; one submission).

Conditions:
Amyotrophic neuralgia (HNA). Also called: AMYOTROPHY, HEREDITARY NEURALGIC; AMYOTROPHY, HEREDITARY NEURALGIC, WITH PREDILECTION FOR BRACHIAL PLEXUS; Hereditary Brachial Plexus Neuropathy; Neuritis with Brachial Predilection. Identifiers: Orphanet 2901, MedGen C1834304, MONDO:0008076, OMIM 162100.

Allele frequency attached by ClinVar (database versions not stated): TOPMed 0.00032; ExAC 0.00062; gnomAD exomes 0.00035; 1000 Genomes Project 0.00040; 1000 Genomes Project 30x 0.00078.
gnomAD v4.1: 188 of 588,816 alleles (0.032%); highest among the groups gnomAD compares: Non-Finnish European, 0.044%; no homozygotes.

Submission:

Illumina Laboratory Services, Illumina
Classification: Benign for Amyotrophy, hereditary neuralgic. Last evaluated: 2018-01-13. Review status: criteria provided, single submitter. Criteria: ICSL Variant Classification Criteria 13 December 2019. Collection method: clinical testing. Allele origin: germline.
Comment: This variant was observed in the ICSL laboratory as part of a predisposition screen in an ostensibly healthy population. It had not been previously curated by ICSL or reported in the Human Gene Mutation Database (HGMD: prior to June 1st, 2018), and was therefore a candidate for classification through an automated scoring system. Utilizing variant allele frequency, disease prevalence and penetrance estimates, and inheritance mode, an automated score was calculated to assess if this variant is too frequent to cause the disease. Based on the score and internal cut-off values, a variant classified as benign is not then subjected to further curation. The score for this variant resulted in a classification of benign for this disease.